The following is an entry in ClinVar:

NM_001385641.1(SAMD11):c.1955C>T (p.Ala652Val)

Gene: SAMD11 (sterile alpha motif domain containing 11; plus strand). Cytogenetic location: 1p36.33.
Variant type: single nucleotide variant.
Coding change: c.1955C>T on transcript NM_001385641.1 (MANE Select); coding-DNA position 1955, C replaced by T.
Protein change: p.Ala652Val; replaces alanine 652 with valine.
Molecular consequence: missense variant.
Genome position (GRCh38, 1-based): chr1:942,960, C>T. VCF-style: chr1-942960-C-T. GRCh37 (hg19) VCF-style: chr1-878340-C-T.
Other names: c.1958C>T, p.Ala653Val (NM_001385640.1); c.1466C>T, p.Ala489Val (NM_152486.4); short protein forms A489V, A653V, A652V.
Identifiers: ClinVar variation 1478450 (VCV001478450.7), dbSNP rs1387015183, ClinGen allele CA337812750.
Genomic context (GRCh38, chr1:942,960, plus strand): 5'-CGGACGGAGAGGACCCCGAGACGGCAGCTGTTGGGTGCAGGGGGCCCACTCCGGGCCAAG[C>T]TCCAGCTGGAGGGGCCGGCGCCGAGGGGAAGGGGCTTTTCCCAGGGTCCACACTGCCCCT-3'
Protein context (NP_001372570.1, residues 642-662): VGCRGPTPGQ[Ala652Val]PAGGAGAEGK

ClinVar aggregate classification (germline): Uncertain significance. Review status: criteria provided, multiple submitters, no conflicts (2 of 4 stars). 2 submissions from 2 submitters: Uncertain significance (2). Last evaluated 2025-04-28.

Allele frequency attached by ClinVar (database versions not stated): gnomAD exomes below 0.00001 and 0.00001.
gnomAD v4.1: 2 of 1,545,208 alleles (0.00013%); highest among the groups gnomAD compares: Non-Finnish European, 0.00017%; no homozygotes.

Submissions (2):

Labcorp Genetics (formerly Invitae), Labcorp
Classification: Uncertain significance. Last evaluated: 2025-04-28. Review status: criteria provided, single submitter. Criteria: Invitae Variant Classification Sherloc (09022015). Collection method: clinical testing. Allele origin: germline.
Comment: This sequence change replaces alanine, which is neutral and non-polar, with valine, which is neutral and non-polar, at codon 489 of the SAMD11 protein (p.Ala489Val). This variant is present in population databases (no rsID available, gnomAD 0.002%). This variant has not been reported in the literature in individuals affected with SAMD11-related conditions. ClinVar contains an entry for this variant (Variation ID: 1478450). An algorithm developed to predict the effect of missense changes on protein structure and function outputs the following: PolyPhen-2: "Benign". The valine amino acid residue is found in multiple mammalian species, which suggests that this missense change does not adversely affect protein function. In summary, the available evidence is currently insufficient to determine the role of this variant in disease. Therefore, it has been classified as a Variant of Uncertain Significance.

Blueprint Genetics
Classification: Uncertain significance. Last evaluated: 2022-05-20. Review status: criteria provided, single submitter. Criteria: ACMG Guidelines, 2015. Collection method: clinical testing. Allele origin: germline.